The following is an entry in ClinVar:

NM_001080442.3(SLC38A8):c.914C>G (p.Ser305Cys)

Gene: SLC38A8 (solute carrier family 38 member 8; minus strand). Cytogenetic location: 16q23.3.
Variant type: single nucleotide variant.
Coding change: c.914C>G on transcript NM_001080442.3 (MANE Select); coding-DNA position 914, C replaced by G.
Protein change: p.Ser305Cys; replaces serine 305 with cysteine.
Molecular consequence: missense variant.
Genome position (GRCh38, 1-based): chr16:84,017,179, G>C on the plus strand (C>G on the coding strand, the complement: SLC38A8 is on the minus strand). VCF-style: chr16-84017179-G-C. GRCh37 (hg19) VCF-style: chr16-84050784-G-C.
Other names: short protein forms S305C.
Identifiers: ClinVar variation 2181751 (VCV002181751.2), dbSNP rs749065878, ClinGen allele CA8199927.

ClinVar aggregate classification (germline): Uncertain significance. Review status: criteria provided, multiple submitters, no conflicts (2 of 4 stars). 2 submissions from 2 submitters: Uncertain significance (2). Last evaluated 2025-11-13.

gnomAD v4.1: 25 of 1,613,992 alleles (0.0015%); highest among the groups gnomAD compares: Admixed American, 0.027%; no homozygotes.

Submissions (2):

Women's Health and Genetics/Laboratory Corporation of America, LabCorp
Classification: Uncertain significance. Last evaluated: 2025-11-13. Review status: criteria provided, single submitter. Criteria: LabCorp Variant Classification Summary - May 2015. Collection method: clinical testing. Allele origin: germline.
Comment: Variant summary: SLC38A8 c.914C>G (p.Ser305Cys) results in a non-conservative amino acid change in the encoded protein sequence. Algorithms developed to predict the effect of missense changes on protein structure and function are either unavailable or do not agree on the potential impact of this missense change. The variant allele was found at a frequency of 7.6e-05 in 251452 control chromosomes. This frequency is not significantly higher than estimated for disease-causing variants in SLC38A8, allowing no conclusion about variant significance. To our knowledge, no occurrence of c.914C>G in individuals affected with SLC38A8-related conditions and no experimental evidence demonstrating its impact on protein function have been reported. ClinVar contains an entry for this variant (Variation ID: 2181751). Based on the evidence outlined above, the variant was classified as uncertain significance.

Labcorp Genetics (formerly Invitae), Labcorp
Classification: Uncertain significance. Last evaluated: 2021-12-20. Review status: criteria provided, single submitter. Criteria: Invitae Variant Classification Sherloc (09022015). Collection method: clinical testing. Allele origin: germline.
Comment: This sequence change replaces serine, which is neutral and polar, with cysteine, which is neutral and slightly polar, at codon 305 of the SLC38A8 protein (p.Ser305Cys). This variant is present in population databases (rs749065878, gnomAD 0.04%). This variant has not been reported in the literature in individuals affected with SLC38A8-related conditions. Algorithms developed to predict the effect of missense changes on protein structure and function are either unavailable or do not agree on the potential impact of this missense change (SIFT: "Tolerated"; PolyPhen-2: "Probably Damaging"; Align-GVGD: "Class C15"). In summary, the available evidence is currently insufficient to determine the role of this variant in disease. Therefore, it has been classified as a Variant of Uncertain Significance.